The following is an entry in ClinVar:

NM_000875.5(IGF1R):c.4021G>A (p.Asp1341Asn)

Gene: IGF1R (insulin like growth factor 1 receptor; plus strand). Cytogenetic location: 15q26.3.
Variant type: single nucleotide variant.
Coding change: c.4021G>A on transcript NM_000875.5 (MANE Select); coding-DNA position 4021, G replaced by A.
Protein change: p.Asp1341Asn; replaces aspartic acid 1341 with asparagine.
Molecular consequence: missense variant.
Genome position (GRCh38, 1-based): chr15:98,957,359, G>A. VCF-style: chr15-98957359-G-A. GRCh37 (hg19) VCF-style: chr15-99500588-G-A.
Other names: c.4018G>A, p.Asp1340Asn (NM_001291858.2); short protein forms D1341N, D1340N.
Identifiers: ClinVar variation 2808771 (VCV002808771.3), dbSNP rs150801101, ClinGen allele CA7752869.

ClinVar aggregate classification (germline): Uncertain significance (1 of 4 stars; one submission).

Allele frequency attached by ClinVar (database versions not stated): ExAC 0.00013; gnomAD 0.00035; 1000 Genomes Project 30x 0.00016; 1000 Genomes Project 0.00020; TOPMed 0.00035; ESP Exome Variant Server 0.00031.
gnomAD v4.1: 95 of 1,612,416 alleles (0.0059%); highest among the groups gnomAD compares: African/African-American, 0.1%; no homozygotes.

Submission:

Labcorp Genetics (formerly Invitae), Labcorp
Classification: Uncertain significance. Last evaluated: 2025-12-19. Review status: criteria provided, single submitter. Criteria: Invitae Variant Classification Sherloc (09022015). Collection method: clinical testing. Allele origin: germline.
Comment: This sequence change replaces aspartic acid, which is acidic and polar, with asparagine, which is neutral and polar, at codon 1341 of the IGF1R protein (p.Asp1341Asn). This variant is present in population databases (rs150801101, gnomAD 0.1%). This variant has not been reported in the literature in individuals affected with IGF1R-related conditions. ClinVar contains an entry for this variant (Variation ID: 2808771). An algorithm developed to predict the effect of missense changes on protein structure and function (PolyPhen-2) suggests that this variant is likely to be tolerated. In summary, the available evidence is currently insufficient to determine the role of this variant in disease. Therefore, it has been classified as a Variant of Uncertain Significance.